The following is an entry in ClinVar:

ClinVar aggregate classification (germline): Likely benign. Review status: criteria provided, multiple submitters, no conflicts (2 of 4 stars). 2 submissions from 2 submitters: Likely benign (2). Last evaluated 2022-12-04.

Conditions:
Hyperkalemic periodic paralysis. Also called: Familial hyperkalemic periodic paralysis; Gamstorp disease. Identifiers: Orphanet 682, MedGen C0238357, MONDO:0008224, OMIM 170500, HP:0007215.

Allele frequency attached by ClinVar (database versions not stated): TOPMed 0.00001.
gnomAD v4.1: 12 of 1,612,270 alleles (0.00074%); highest among the groups gnomAD compares: Admixed American, 0.0017%; no homozygotes.

Submissions (2):

Labcorp Genetics (formerly Invitae), Labcorp
Classification: Likely benign for Hyperkalemic periodic paralysis. Last evaluated: 2022-12-04. Review status: criteria provided, single submitter. Criteria: Invitae Variant Classification Sherloc (09022015). Collection method: clinical testing. Allele origin: germline.

GeneDx
Classification: Likely benign. Last evaluated: 2016-08-31. Review status: criteria provided, single submitter. Criteria: GeneDx Variant Classification (06012015). Collection method: clinical testing. Allele origin: germline. Affected: yes.
Comment: This variant is considered likely benign or benign based on one or more of the following criteria: it is a conservative change, it occurs at a poorly conserved position in the protein, it is predicted to be benign by multiple in silico algorithms, and/or has population frequency not consistent with disease.

NM_000334.4(SCN4A):c.2889C>A (p.Ser963=)

Genes: GH-LCR (growth hormone locus control region; plus strand), SCN4A (sodium voltage-gated channel alpha subunit 4; minus strand). Cytogenetic location: 17q23.3.
Variant type: single nucleotide variant.
Coding change: c.2889C>A on transcript NM_000334.4 (MANE Select); coding-DNA position 2889, C replaced by A.
Protein change: p.Ser963=; no amino-acid change (serine 963 retained).
Molecular consequence: synonymous variant.
Genome position (GRCh38, 1-based): chr17:63,949,493, G>T on the plus strand (C>A on the coding strand, the complement: SCN4A is on the minus strand). VCF-style: chr17-63949493-G-T. GRCh37 (hg19) VCF-style: chr17-62026853-G-T.
Identifiers: ClinVar variation 388780 (VCV000388780.9), dbSNP rs757881584, ClinGen allele CA16607430.
Genomic context (GRCh38, chr17:63,949,493, plus strand): 5'-CTCCTCTGCCTGCTCCTCAGGGTCCTCCTCGGGGGGCTTGTAGTCAGCTGTGCTGCAGAC[G>T]GACGAGTTCCCATCATAGAGAGGCTGCGGCGGCTTCTGCGGAGGCCACAGGGTCACATGA-3'
Protein context (NP_000325.4, residues 953-973): PPQPLYDGNS[Ser963=]VCSTADYKPP